The following is an entry in ClinVar:

ClinVar aggregate classification (germline): Uncertain significance (1 of 4 stars; one submission).

Submission:

CeGaT Center for Human Genetics Tuebingen
Classification: Uncertain significance. Last evaluated: 2024-01-01. Review status: criteria provided, single submitter. Criteria: CeGaT Center For Human Genetics Tuebingen Variant Classification Criteria Version 2. Collection method: clinical testing. Allele origin: germline. Affected: yes. Observed: 1 variant allele.
Comment: MTM1: PM2

NM_000252.3(MTM1):c.785A>C (p.Asp262Ala)

Gene: MTM1 (myotubularin 1; plus strand). Cytogenetic location: Xq28.
Variant type: single nucleotide variant.
Coding change: c.785A>C on transcript NM_000252.3 (MANE Select); coding-DNA position 785, A replaced by C.
Protein change: p.Asp262Ala; replaces aspartic acid 262 with alanine.
Molecular consequence: missense variant.
Genome position (GRCh38, 1-based): chrX:150,645,789, A>C. VCF-style: chrX-150645789-A-C. GRCh37 (hg19) VCF-style: chrX-149814262-A-C.
Other names: c.785A>C, p.Asp262Ala (NM_001376906.1, NM_001376908.1); c.674A>C, p.Asp225Ala (NM_001376907.1); short protein forms D225A, D262A.
Identifiers: ClinVar variation 3027044 (VCV003027044.22), dbSNP rs2522381650, ClinGen allele CA415256518.